The following is an entry in ClinVar:

NM_000064.4(C3):c.1940C>G (p.Thr647Arg)

Gene: C3 (complement C3; minus strand). Cytogenetic location: 19p13.3.
Variant type: single nucleotide variant.
Coding change: c.1940C>G on transcript NM_000064.4 (MANE Select); coding-DNA position 1940, C replaced by G.
Protein change: p.Thr647Arg; replaces threonine 647 with arginine.
Molecular consequence: missense variant.
Genome position (GRCh38, 1-based): chr19:6,707,835, G>C on the plus strand (C>G on the coding strand, the complement: C3 is on the minus strand). VCF-style: chr19-6707835-G-C. GRCh37 (hg19) VCF-style: chr19-6707846-G-C.
Other names: short protein forms T647R.
Identifiers: ClinVar variation 2976955 (VCV002976955.3), dbSNP rs1447175740, ClinGen allele CA403638193.

ClinVar aggregate classification (germline): Uncertain significance (1 of 4 stars; one submission).

gnomAD v4.1: 1 of 1,613,828 alleles (0.000062%); highest among the groups gnomAD compares: Non-Finnish European, 0.000085%; no homozygotes.

Submission:

Labcorp Genetics (formerly Invitae), Labcorp
Classification: Uncertain significance. Last evaluated: 2023-09-25. Review status: criteria provided, single submitter. Criteria: Invitae Variant Classification Sherloc (09022015). Collection method: clinical testing. Allele origin: germline.
Comment: This sequence change replaces threonine, which is neutral and polar, with arginine, which is basic and polar, at codon 647 of the C3 protein (p.Thr647Arg). This variant is not present in population databases (gnomAD no frequency). This variant has not been reported in the literature in individuals affected with C3-related conditions. Advanced modeling of protein sequence and biophysical properties (such as structural, functional, and spatial information, amino acid conservation, physicochemical variation, residue mobility, and thermodynamic stability) performed at Invitae indicates that this missense variant is not expected to disrupt C3 protein function. In summary, the available evidence is currently insufficient to determine the role of this variant in disease. Therefore, it has been classified as a Variant of Uncertain Significance.